The following is an entry in ClinVar:

ClinVar aggregate classification (germline): Pathogenic (1 of 4 stars; one submission).

Submission:

Labcorp Genetics (formerly Invitae), Labcorp
Classification: Pathogenic. Last evaluated: 2025-12-10. Review status: criteria provided, single submitter. Criteria: Invitae Variant Classification Sherloc (09022015). Collection method: clinical testing. Allele origin: germline.
Comment: This sequence change creates a premature translational stop signal (p.Ser465*) in the PLXNA1 gene. It is expected to result in an absent or disrupted protein product. Loss-of-function variants in PLXNA1 are known to be pathogenic (PMID: 34054129). This variant is not present in population databases (gnomAD no frequency). This variant has not been reported in the literature in individuals affected with PLXNA1-related conditions. For these reasons, this variant has been classified as Pathogenic.

Literature cited by the submitters: PubMed 34054129.

NM_032242.4(PLXNA1):c.1394C>G (p.Ser465Ter)

Gene: PLXNA1 (plexin A1; plus strand). Cytogenetic location: 3q21.3.
Variant type: single nucleotide variant.
Coding change: c.1394C>G on transcript NM_032242.4 (MANE Select); coding-DNA position 1394, C replaced by G.
Protein change: p.Ser465Ter; replaces serine 465 with a stop codon.
Molecular consequence: nonsense.
Genome position (GRCh38, 1-based): chr3:127,003,346, C>G. VCF-style: chr3-127003346-C-G. GRCh37 (hg19) VCF-style: chr3-126722189-C-G.
Other names: short protein forms S465*.
Identifiers: ClinVar variation 4761009 (VCV004761009.1).
Genomic context (GRCh38, chr3:127,003,346, plus strand): 5'-GGAGGTATCAGCACAGCTCCAGTTAGGGCCCCTTGCTGCCGCAGATCCTGGTGGACCTCT[C>G]AAACCCCGGTGGCCGGCCTGCCCTGGCCTACGAGAGCGTCGTGGCCCAGGAGGGCAGCCC-3'